The following is an entry in ClinVar:

ClinVar aggregate classification (germline): Pathogenic. Review status: criteria provided, multiple submitters, no conflicts (2 of 4 stars). 6 submissions from 6 submitters: Pathogenic (4). 2 of the submissions do not count toward it. Last evaluated 2025-06-22.

Conditions:
RASopathy. Also called: Noonan spectrum disorder; rasopathies. Identifiers: Orphanet 536391, MedGen C5555857, MONDO:0021060.
Noonan syndrome 7 (NS7). Also called: BRAF-Related Noonan Syndrome. Identifiers: Orphanet 648, MedGen C3150970, MONDO:0013379, OMIM 613706.
Noonan syndrome 1 (NS1). Also called: FEMALE PSEUDO-TURNER SYNDROME; PTPN11-Related Noonan Syndrome; TURNER PHENOTYPE WITH NORMAL KARYOTYPE. Identifiers: Orphanet 648, MedGen C4551602, MONDO:0008104, OMIM 163950. Disease mechanism: gain of function.

Submissions (6):

Labcorp Genetics (formerly Invitae), Labcorp
Classification: Pathogenic for RASopathy. Last evaluated: 2025-06-22. Review status: criteria provided, single submitter. Criteria: Invitae Variant Classification Sherloc (09022015). Collection method: clinical testing. Allele origin: germline.
Comment: This sequence change replaces tryptophan, which is neutral and slightly polar, with cysteine, which is neutral and slightly polar, at codon 531 of the BRAF protein (p.Trp531Cys). This variant is not present in population databases (gnomAD no frequency). This missense change has been observed in individual(s) with BRAF-related conditions (PMID: 19206169, 34643321, 37645600). In at least one individual the variant was observed to be de novo. ClinVar contains an entry for this variant (Variation ID: 29808). Invitae Evidence Modeling of protein sequence and biophysical properties (such as structural, functional, and spatial information, amino acid conservation, physicochemical variation, residue mobility, and thermodynamic stability) indicates that this missense variant is expected to disrupt BRAF protein function with a positive predictive value of 80%. Experimental studies are conflicting or provide insufficient evidence to determine the effect of this variant on BRAF function (PMID: 19206169). This variant disrupts the p.Trp531 amino acid residue in BRAF. Other variant(s) that disrupt this residue have been determined to be pathogenic (PMID: 33300679, 34643321; Internal data). This suggests that this residue is clinically significant, and that variants that disrupt this residue are likely to be disease-causing. For these reasons, this variant has been classified as Pathogenic.

GeneDx
Classification: Pathogenic. Last evaluated: 2023-08-04. Review status: criteria provided, single submitter. Criteria: GeneDx Variant Classification Process June 2021. Collection method: clinical testing. Allele origin: germline. Affected: yes.
Comment: Published functional studies demonstrate a damaging effect on the MAPK pathway (Sarkozy et al., 2009); Not observed at significant frequency in large population cohorts (gnomAD); Missense variants in this gene are often considered pathogenic (HGMD); In silico analysis supports that this missense variant has a deleterious effect on protein structure/function; This variant is associated with the following publications: (PMID: 24803665, 33482860, 33004838, 34643321, 23093928, 19206169, 15488754, 15520807, 16439621, 17603483, 24957944, 29493581)

Revvity Omics, Revvity
Classification: Pathogenic. Last evaluated: 2019-07-12. Review status: criteria provided, single submitter. Criteria: ACMG Guidelines, 2015. Collection method: clinical testing. Allele origin: germline.

Baylor Genetics
Classification: Pathogenic for Rasopathy. Last evaluated: 2014-04-04. Review status: criteria provided, single submitter. Criteria: Yang et al. 2013. Collection method: clinical testing. Allele origin: de novo. Inheritance: Autosomal dominant inheritance. Affected: yes. Observed: 1 variant allele, 1 heterozygote. Study: Adult_WES.

OMIM
Classification: Pathogenic for NOONAN SYNDROME 7. Last evaluated: 2009-04-01. Review status: no assertion criteria provided. Collection method: literature only. Allele origin: germline. Not counted in ClinVar's aggregate classification.

GeneReviews
No classification provided. Condition: Noonan syndrome 1. Review status: no classification provided. Collection method: literature only. Allele origin: germline. Affected: yes. Not counted in ClinVar's aggregate classification.

Literature cited by the submitters: PubMed 19206169 (cited by 3 submitters); PubMed 34643321 (cited by Labcorp Genetics (formerly Invitae), Labcorp); PubMed 37645600 (cited by Labcorp Genetics (formerly Invitae), Labcorp); PubMed 33300679 (cited by Labcorp Genetics (formerly Invitae), Labcorp); PubMed 26633545 (cited by Baylor Genetics); PubMed 23093928 (cited by Baylor Genetics); NCBI Bookshelf NBK1124 (cited by GeneReviews).

NM_004333.6(BRAF):c.1593G>C (p.Trp531Cys)

Gene: BRAF (B-Raf proto-oncogene, serine/threonine kinase; minus strand). Cytogenetic location: 7q34.
Variant type: single nucleotide variant.
Coding change: c.1593G>C on transcript NM_004333.6 (MANE Select); coding-DNA position 1593, G replaced by C.
Protein change: p.Trp531Cys; replaces tryptophan 531 with cysteine.
Molecular consequence: missense variant.
Genome position (GRCh38, 1-based): chr7:140,777,013, C>G on the plus strand (G>C on the coding strand, the complement: BRAF is on the minus strand). VCF-style: chr7-140777013-C-G. GRCh37 (hg19) VCF-style: chr7-140476813-C-G.
Other names: c.1593G>C, p.Trp531Cys (NM_001354609.2, NM_001378468.1, NM_001378474.1); c.1713G>C, p.Trp571Cys (NM_001374244.1, NM_001374258.1); c.1602G>C, p.Trp534Cys (NM_001378467.1); c.1527G>C, p.Trp509Cys (NM_001378469.1); c.1491G>C, p.Trp497Cys (NM_001378470.1); c.1482G>C, p.Trp494Cys (NM_001378471.1); c.1437G>C, p.Trp479Cys (NM_001378472.1, NM_001378473.1); c.1329G>C, p.Trp443Cys (NM_001378475.1); short protein forms W531C, W443C, W479C, W494C, W497C, W509C, W534C, W571C.
Identifiers: ClinVar variation 29808 (VCV000029808.10), dbSNP rs606231228, ClinGen allele CA250333.